The following is an entry in ClinVar:

NM_006371.5(CRTAP):c.427C>T (p.Gln143Ter)

Gene: CRTAP (cartilage associated protein; plus strand). Cytogenetic location: 3p22.3.
Variant type: single nucleotide variant.
Coding change: c.427C>T on transcript NM_006371.5 (MANE Select); coding-DNA position 427, C replaced by T.
Protein change: p.Gln143Ter; replaces glutamine 143 with a stop codon.
Molecular consequence: nonsense.
Genome position (GRCh38, 1-based): chr3:33,114,504, C>T. VCF-style: chr3-33114504-C-T. GRCh37 (hg19) VCF-style: chr3-33155996-C-T.
Other names: c.427C>T, p.Gln143Ter (NM_001393363.1, NM_001393364.1, NM_001393365.1); short protein forms Q143*.
Identifiers: ClinVar variation 2825842 (VCV002825842.3), dbSNP rs2471562112, ClinGen allele CA352008828.

ClinVar aggregate classification (germline): Pathogenic (1 of 4 stars; one submission).

Conditions:
Osteogenesis imperfecta type 7 (OI7). Also called: OI type 7; OI type VII; OSTEOGENESIS IMPERFECTA, TYPE IIB; Osteogenesis imperfecta type 2B; OI type 2B; Osteogenesis imperfecta, perinatal lethal autosomal recessive. Identifiers: MedGen C1853162, MONDO:0012536, OMIM 610682.

Allele frequency attached by ClinVar (database versions not stated): gnomAD exomes below 0.00001.
gnomAD v4.1: 1 of 1,603,948 alleles (0.000062%); highest among the groups gnomAD compares: South Asian, 0.0011%; no homozygotes.

Submission:

Labcorp Genetics (formerly Invitae), Labcorp
Classification: Pathogenic for Osteogenesis imperfecta type 7. Last evaluated: 2023-07-25. Review status: criteria provided, single submitter. Criteria: Invitae Variant Classification Sherloc (09022015). Collection method: clinical testing. Allele origin: germline.
Comment: This variant is not present in population databases (gnomAD no frequency). This sequence change creates a premature translational stop signal (p.Gln143*) in the CRTAP gene. It is expected to result in an absent or disrupted protein product. Loss-of-function variants in CRTAP are known to be pathogenic (PMID: 17055431, 19862557, 24715559). For these reasons, this variant has been classified as Pathogenic. This variant has not been reported in the literature in individuals affected with CRTAP-related conditions.

Literature cited by the submitters: PubMed 17055431; PubMed 19862557; PubMed 24715559.